The following is an entry in ClinVar:

NM_001018113.3(FANCB):c.2553T>A (p.Phe851Leu)

Gene: FANCB (FA complementation group B; minus strand). Cytogenetic location: Xp22.2.
Variant type: single nucleotide variant.
Coding change: c.2553T>A on transcript NM_001018113.3 (MANE Select); coding-DNA position 2553, T replaced by A.
Protein change: p.Phe851Leu; replaces phenylalanine 851 with leucine.
Molecular consequence: missense variant.
Genome position (GRCh38, 1-based): chrX:14,843,594, A>T on the plus strand (T>A on the coding strand, the complement: FANCB is on the minus strand). VCF-style: chrX-14843594-A-T. GRCh37 (hg19) VCF-style: chrX-14861716-A-T.
Other names: c.2553T>A, p.Phe851Leu (NM_001324162.2, NM_152633.4); short protein forms F851L.
Identifiers: ClinVar variation 1365865 (VCV001365865.3), dbSNP rs759020755, ClinGen allele CA412436865.

ClinVar aggregate classification (germline): Uncertain significance (1 of 4 stars; one submission).

Conditions:
Fanconi anemia (FA). Also called: Fanconi's anemia. Identifiers: Orphanet 84, MedGen C0015625, MeSH D005199, MONDO:0019391.

Allele frequency attached by ClinVar (database versions not stated): TOPMed below 0.00001.
gnomAD v4.1: 2 of 1,195,146 alleles (0.00017%); highest among the groups gnomAD compares: Non-Finnish European, 0.00023%; no homozygotes.

Submission:

Labcorp Genetics (formerly Invitae), Labcorp
Classification: Uncertain significance for Fanconi anemia. Last evaluated: 2021-09-02. Review status: criteria provided, single submitter. Criteria: Invitae Variant Classification Sherloc (09022015). Collection method: clinical testing. Allele origin: germline.
Comment: This sequence change replaces phenylalanine with leucine at codon 851 of the FANCB protein (p.Phe851Leu). The phenylalanine residue is weakly conserved and there is a small physicochemical difference between phenylalanine and leucine. This variant is not present in population databases (ExAC no frequency). This variant has not been reported in the literature in individuals affected with FANCB-related conditions. Algorithms developed to predict the effect of missense changes on protein structure and function output the following: SIFT: "Tolerated"; PolyPhen-2: "Benign"; Align-GVGD: "Class C0". The leucine amino acid residue is found in multiple mammalian species, which suggests that this missense change does not adversely affect protein function. In summary, the available evidence is currently insufficient to determine the role of this variant in disease. Therefore, it has been classified as a Variant of Uncertain Significance.